The following is an entry in ClinVar:

ClinVar aggregate classification (germline): Uncertain significance. Review status: criteria provided, multiple submitters, no conflicts (2 of 4 stars). 2 submissions from 2 submitters: Uncertain significance (2). Last evaluated 2024-01-08.

Conditions:
Cardiovascular phenotype. Identifiers: MedGen CN230736.
Catecholaminergic polymorphic ventricular tachycardia 1. Also called: RYR2-Related Catecholaminergic Polymorphic Ventricular Tachycardia; VENTRICULAR TACHYCARDIA, CATECHOLAMINERGIC POLYMORPHIC, 1, WITH OR WITHOUT ATRIAL DYSFUNCTION AND/OR DILATED CARDIOMYOPATHY; VENTRICULAR TACHYCARDIA, STRESS-INDUCED POLYMORPHIC 1. Identifiers: Orphanet 3286, MedGen C1631597, MONDO:0011484, OMIM 604772.

Allele frequency attached by ClinVar (database versions not stated): ExAC 0.00001; gnomAD 0.00001; gnomAD exomes 0.00001; TOPMed 0.00001.
gnomAD v4.1: 9 of 1,613,880 alleles (0.00056%); highest among the groups gnomAD compares: South Asian, 0.0011%; no homozygotes.

Submissions (2):

Labcorp Genetics (formerly Invitae), Labcorp
Classification: Uncertain significance for Catecholaminergic polymorphic ventricular tachycardia 1. Last evaluated: 2024-01-08. Review status: criteria provided, single submitter. Criteria: Invitae Variant Classification Sherloc (09022015). Collection method: clinical testing. Allele origin: germline.
Comment: This sequence change replaces serine, which is neutral and polar, with leucine, which is neutral and non-polar, at codon 767 of the RYR2 protein (p.Ser767Leu). This variant is present in population databases (rs749979131, gnomAD 0.008%). This variant has not been reported in the literature in individuals affected with RYR2-related conditions. ClinVar contains an entry for this variant (Variation ID: 519341). Advanced modeling of protein sequence and biophysical properties (such as structural, functional, and spatial information, amino acid conservation, physicochemical variation, residue mobility, and thermodynamic stability) performed at Invitae indicates that this missense variant is not expected to disrupt RYR2 protein function with a negative predictive value of 95%. In summary, the available evidence is currently insufficient to determine the role of this variant in disease. Therefore, it has been classified as a Variant of Uncertain Significance.

Ambry Genetics
Classification: Uncertain significance for Cardiovascular phenotype. Last evaluated: 2016-10-18. Review status: criteria provided, single submitter. Criteria: Ambry Variant Classification Scheme 2023. Collection method: clinical testing. Allele origin: germline.
Comment: The p.S767L variant (also known as c.2300C>T), located in coding exon 21 of the RYR2 gene, results from a C to T substitution at nucleotide position 2300. The serine at codon 767 is replaced by leucine, an amino acid with dissimilar properties. Based on data from ExAC, the T allele has an overall frequency less than 0.01% (1/105574). This amino acid position is highly conserved in available vertebrate species. In addition, this alteration is predicted to be deleterious by in silico analysis. Since supporting evidence is limited at this time, the clinical significance of this alteration remains unclear.

NM_001035.3(RYR2):c.2300C>T (p.Ser767Leu)

Gene: RYR2 (ryanodine receptor 2; plus strand). Cytogenetic location: 1q43.
Variant type: single nucleotide variant.
Coding change: c.2300C>T on transcript NM_001035.3 (MANE Select); coding-DNA position 2300, C replaced by T.
Protein change: p.Ser767Leu; replaces serine 767 with leucine.
Molecular consequence: missense variant.
Genome position (GRCh38, 1-based): chr1:237,500,807, C>T. VCF-style: chr1-237500807-C-T. GRCh37 (hg19) VCF-style: chr1-237664107-C-T.
Other names: c.2300C>T, p.Ser767Leu (LRG_402t1); short protein forms S767L.
Identifiers: ClinVar variation 519341 (VCV000519341.11), dbSNP rs749979131, ClinGen allele CA086008.